The following is an entry in ClinVar:

ClinVar aggregate classification (germline): Uncertain significance (1 of 4 stars; one submission).

Allele frequency attached by ClinVar (database versions not stated): gnomAD exomes below 0.00001; ExAC 0.00001.
gnomAD v4.1: 1 of 1,609,702 alleles (0.000062%); highest among the groups gnomAD compares: Non-Finnish European, 0.000085%; no homozygotes.

Submission:

Labcorp Genetics (formerly Invitae), Labcorp
Classification: Uncertain significance. Last evaluated: 2022-03-04. Review status: criteria provided, single submitter. Criteria: Invitae Variant Classification Sherloc (09022015). Collection method: clinical testing. Allele origin: germline.
Comment: In summary, the available evidence is currently insufficient to determine the role of this variant in disease. Therefore, it has been classified as a Variant of Uncertain Significance. Variants that disrupt the consensus splice site are a relatively common cause of aberrant splicing (PMID: 17576681, 9536098). Algorithms developed to predict the effect of sequence changes on RNA splicing suggest that this variant may disrupt the consensus splice site. This variant has not been reported in the literature in individuals affected with HK1-related conditions. The frequency data for this variant in the population databases is considered unreliable, as metrics indicate poor data quality at this position in the gnomAD database. This sequence change falls in intron 10 of the HK1 gene. It does not directly change the encoded amino acid sequence of the HK1 protein. It affects a nucleotide within the consensus splice site.

Literature cited by the submitters: PubMed 17576681; PubMed 9536098.

NM_000188.3(HK1):c.1570+3G>A

Gene: HK1 (hexokinase 1; plus strand). Cytogenetic location: 10q22.1.
Variant type: single nucleotide variant.
Coding change: c.1570+3G>A on transcript NM_000188.3 (MANE Select); 3 bases into the intron after coding-DNA position 1570, G replaced by A.
Molecular consequence: intron variant.
Genome position (GRCh38, 1-based): chr10:69,382,794, G>A. VCF-style: chr10-69382794-G-A. GRCh37 (hg19) VCF-style: chr10-71142550-G-A.
Other names: c.1534+3G>A (NM_033500.2); c.1675+3G>A (NM_001322365.2); c.1582+3G>A (NM_033498.3, NM_033497.3, NM_001322364.2 and 1 more transcripts); c.1567+3G>A (NM_033496.3); c.1486+3G>A (NM_001322366.1); c.1474+3G>A (NM_001322367.1).
Identifiers: ClinVar variation 2106980 (VCV002106980.4), dbSNP rs759354640, ClinGen allele CA5532626.
Genomic context (GRCh38, chr10:69,382,794, plus strand): 5'-AACAATGCCGTGGTTAAGATGCTGCCCTCCTTCGTCCGGAGAACTCCCGACGGGACCGGT[G>A]AGGGCCTGCTGGGGGCTGACATGCCTGTCCTGCTCCTGCCAGGAACTGAGCCGCAGTGGG-3'